The following is an entry in ClinVar:

ClinVar aggregate classification (germline): Pathogenic (1 of 4 stars; one submission).

Submission:

Labcorp Genetics (formerly Invitae), Labcorp
Classification: Pathogenic. Last evaluated: 2024-10-29. Review status: criteria provided, single submitter. Criteria: Invitae Variant Classification Sherloc (09022015). Collection method: clinical testing. Allele origin: germline.
Comment: This sequence change creates a premature translational stop signal (p.Gly5*) in the HARS2 gene. It is expected to result in an absent or disrupted protein product. Loss-of-function variants in HARS2 are known to be pathogenic (PMID: 31827252). This variant is not present in population databases (gnomAD no frequency). This variant has not been reported in the literature in individuals affected with HARS2-related conditions. For these reasons, this variant has been classified as Pathogenic.

Literature cited by the submitters: PubMed 31827252.

NM_012208.4(HARS2):c.13G>T (p.Gly5Ter)

Genes: HARS2 (histidyl-tRNA synthetase 2, mitochondrial; plus strand), LOC119407423 (HARS1 and HARS2 bidirectional promoter region; plus strand). Cytogenetic location: 5q31.3.
Variant type: single nucleotide variant.
Coding change: c.13G>T on transcript NM_012208.4 (MANE Select); coding-DNA position 13, G replaced by T.
Protein change: p.Gly5Ter; replaces glycine 5 with a stop codon.
Molecular consequence: nonsense. On other transcripts: intron variant (1), 5 prime UTR variant (1).
Genome position (GRCh38, 1-based): chr5:140,691,661, G>T. VCF-style: chr5-140691661-G-T. GRCh37 (hg19) VCF-style: chr5-140071246-G-T.
Other names: c.-325-134G>T (NM_001363536.2); c.13G>T, p.Gly5Ter (NM_001278731.2, NM_001363535.2); c.-298G>T (NM_001278732.2); short protein forms G5*.
Identifiers: ClinVar variation 3658901 (VCV003658901.2).